The following is an entry in ClinVar:

NM_032119.4(ADGRV1):c.4550G>T (p.Arg1517Ile)

Gene: ADGRV1 (adhesion G protein-coupled receptor V1; plus strand). Cytogenetic location: 5q14.3.
Variant type: single nucleotide variant.
Coding change: c.4550G>T on transcript NM_032119.4 (MANE Select); coding-DNA position 4550, G replaced by T.
Protein change: p.Arg1517Ile; replaces arginine 1517 with isoleucine.
Molecular consequence: missense variant. On other transcripts: non-coding transcript variant (1).
Genome position (GRCh38, 1-based): chr5:90,658,076, G>T. VCF-style: chr5-90658076-G-T. GRCh37 (hg19) VCF-style: chr5-89953893-G-T.
Other names: c.4550G>T (NM_032119.3); short protein forms R1517I.
Identifiers: ClinVar variation 285902 (VCV000285902.14), dbSNP rs756555904, ClinGen allele CA3339368.

ClinVar aggregate classification (germline): Conflicting classifications of pathogenicity. Review status: criteria provided, conflicting classifications (1 of 4 stars). 3 submissions from 3 submitters: Uncertain significance (2); Likely benign (1). Last evaluated 2026-07-23.

Conditions:
ADGRV1-related disorder. Also called: ADGRV1-related condition; ADGRV1-related disorders.

Allele frequency attached by ClinVar (database versions not stated): gnomAD exomes 0.00001 and 0.00002; ExAC 0.00003.
gnomAD v4.1: 6 of 1,613,928 alleles (0.00037%); highest among the groups gnomAD compares: Admixed American, 0.01%; no homozygotes.

Submissions (3):

PreventionGenetics, part of Exact Sciences
Classification: Uncertain significance for ADGRV1-related condition. Last evaluated: 2026-07-23. Review status: criteria provided, single submitter. Criteria: ACMG Guidelines, 2015. Collection method: clinical testing. Allele origin: germline.
Comment: The ADGRV1 c.4550G>T variant is predicted to result in the amino acid substitution p.Arg1517Ile. To our knowledge, this variant has not been reported in the literature. This variant is reported in 0.014% of alleles in individuals of Latino descent in gnomAD. At this time, the clinical significance of this variant is uncertain due to the absence of conclusive functional and genetic evidence.

Labcorp Genetics (formerly Invitae), Labcorp
Classification: Likely benign. Last evaluated: 2024-11-11. Review status: criteria provided, single submitter. Criteria: Invitae Variant Classification Sherloc (09022015). Collection method: clinical testing. Allele origin: germline.

Eurofins Ntd Llc (ga)
Classification: Uncertain significance. Last evaluated: 2016-02-01. Review status: criteria provided, single submitter. Criteria: EGL Classification Definitions 2015. Collection method: clinical testing. Allele origin: germline. Observed: 1 variant allele, 1 heterozygote.